The following is an entry in ClinVar:

NM_000059.4(BRCA2):c.3743G>T (p.Ser1248Ile)

Gene: BRCA2 (BRCA2 DNA repair associated; plus strand). Cytogenetic location: 13q13.1.
Variant type: single nucleotide variant.
Coding change: c.3743G>T on transcript NM_000059.4 (MANE Select); coding-DNA position 3743, G replaced by T.
Protein change: p.Ser1248Ile; replaces serine 1248 with isoleucine.
Molecular consequence: missense variant.
Genome position (GRCh38, 1-based): chr13:32,338,098, G>T. VCF-style: chr13-32338098-G-T. GRCh37 (hg19) VCF-style: chr13-32912235-G-T.
Other names: short protein forms S1248I.
Identifiers: ClinVar variation 495455 (VCV000495455.3), dbSNP rs1555283383, ClinGen allele CA387778156.

ClinVar aggregate classification (germline): Conflicting classifications of pathogenicity. Review status: criteria provided, conflicting classifications (1 of 4 stars). 2 submissions from 2 submitters: Uncertain significance (1); Likely benign (1). Last evaluated 2023-03-23.

Conditions:
Hereditary cancer-predisposing syndrome. Also called: Hereditary neoplastic syndrome; Tumor predisposition; Hereditary Cancer Syndrome; Neoplastic Syndromes, Hereditary. Identifiers: Orphanet 140162, MedGen C0027672, MeSH D009386, MONDO:0015356.

Submissions (2):

University of Washington Department of Laboratory Medicine, University of Washington
Classification: Likely benign for Hereditary cancer-predisposing syndrome. Last evaluated: 2023-03-23. Review status: criteria provided, single submitter. Criteria: Dines et al. (Genet Med. 2020). Collection method: curation. Allele origin: germline.
Comment: Missense variant in a coldspot region where missense variants are very unlikely to be pathogenic (PMID:31911673).

BRCA2 exon 11 coldspot. Reclassification based on statistical prior probability.

Women's Health and Genetics/Laboratory Corporation of America, LabCorp
Classification: Uncertain significance. Last evaluated: 2017-08-08. Review status: criteria provided, single submitter. Criteria: LabCorp Variant Classification Summary - May 2015. Collection method: clinical testing. Allele origin: germline.
Comment: Variant summary: The BRCA2 c.3743G>T (p.Ser1248Ile) variant involves the alteration of a non-conserved nucleotide. 4/5 in silico tools predict a damaging outcome for this variant. This variant is absent in 118360 control chromosomes. The variant of interest has not, to our knowledge, been reported in affected individuals via publications and/or reputable databases/clinical diagnostic laboratories; nor evaluated for functional impact by in vivo/vitro studies. Because of the absence of clinical information and the lack of functional studies, the variant is classified as a variant of uncertain significance (VUS) until additional information becomes available.